The following is an entry in ClinVar:

ClinVar aggregate classification (germline): Benign/Likely benign. Review status: criteria provided, multiple submitters, no conflicts (2 of 4 stars). 7 submissions from 7 submitters: Benign (4); Likely benign (3). Last evaluated 2026-09-01.

Conditions:
3-methylglutaconic aciduria, type VIIB (MGCA7B). Also called: 3-methylglutaconic aciduria, type VII, with cataracts, neurologic involvement and neutropenia; CLPB Deficiency; 3-methylglutaconic aciduria with cataracts, neurologic involvement and neutropenia. Identifiers: Orphanet 445038, MedGen C5676893, MONDO:0014561, OMIM 616271.

Allele frequency attached by ClinVar (database versions not stated): ESP Exome Variant Server 0.00762; gnomAD 0.00764 and 0.00713; ExAC 0.00780; gnomAD exomes 0.00849 and 0.00753; 1000 Genomes Project 30x 0.00297; 1000 Genomes Project 0.00300; TOPMed 0.00688.

Submissions (7):

CeGaT Center for Human Genetics Tuebingen
Classification: Likely benign. Last evaluated: 2026-09-01. Review status: criteria provided, single submitter. Criteria: CeGaT Center For Human Genetics Tuebingen Variant Classification Criteria Version 2. Collection method: clinical testing. Allele origin: germline. Affected: yes. Observed: 43 variant alleles.
Comment: CLPB: BP4, BS2

Labcorp Genetics (formerly Invitae), Labcorp
Classification: Benign for 3-methylglutaconic aciduria, type VIIB. Last evaluated: 2026-01-27. Review status: criteria provided, single submitter. Criteria: Invitae Variant Classification Sherloc (09022015). Collection method: clinical testing. Allele origin: germline.

Women's Health and Genetics/Laboratory Corporation of America, LabCorp
Classification: Benign. Last evaluated: 2026-01-22. Review status: criteria provided, single submitter. Criteria: LabCorp Variant Classification Summary - May 2015. Collection method: clinical testing. Allele origin: germline.

Mayo Clinic Laboratories, Mayo Clinic
Classification: Likely benign. Last evaluated: 2025-02-21. Review status: criteria provided, single submitter. Criteria: ACMG Guidelines, 2015. Collection method: clinical testing. Allele origin: germline. Observed: 12 variant alleles.
Comment: BA1, BS2

Blueprint Genetics
Classification: Likely benign. Last evaluated: 2024-11-26. Review status: criteria provided, single submitter. Criteria: ACMG Guidelines, 2015. Collection method: clinical testing. Allele origin: germline.

GeneDx
Classification: Benign. Last evaluated: 2016-09-15. Review status: criteria provided, single submitter. Criteria: GeneDx Variant Classification (06012015). Collection method: clinical testing. Allele origin: germline. Affected: yes.
Comment: This variant is considered likely benign or benign based on one or more of the following criteria: it is a conservative change, it occurs at a poorly conserved position in the protein, it is predicted to be benign by multiple in silico algorithms, and/or has population frequency not consistent with disease.

Breakthrough Genomics
Classification: Benign. Review status: criteria provided, single submitter. Criteria: ACMG Guidelines, 2015. Collection method: not provided. Allele origin: germline. Inheritance: Autosomal recessive inheritance. Affected: yes.

NM_001258392.3(CLPB):c.996G>A (p.Arg332=)

Gene: CLPB (ClpB family mitochondrial disaggregase; minus strand). Cytogenetic location: 11q13.4.
Variant type: single nucleotide variant.
Coding change: c.996G>A on transcript NM_001258392.3 (MANE Select); coding-DNA position 996, G replaced by A.
Protein change: p.Arg332=; no amino-acid change (arginine 332 retained).
Molecular consequence: synonymous variant.
Genome position (GRCh38, 1-based): chr11:72,308,597, C>T on the plus strand (G>A on the coding strand, the complement: CLPB is on the minus strand). VCF-style: chr11-72308597-C-T. GRCh37 (hg19) VCF-style: chr11-72019641-C-T.
Other names: p.Arg362=; c.909G>A, p.Arg303= (NM_001258393.3); c.951G>A, p.Arg317= (NM_001258394.3); c.1086G>A, p.Arg362= (NM_030813.6).
Identifiers: ClinVar variation 382370 (VCV000382370.46), dbSNP rs146912721, ClinGen allele CA6171297.